The following is an entry in ClinVar:

NM_000101.4(CYBA):c.288-1G>A

Gene: CYBA (cytochrome b-245 alpha chain; minus strand). Cytogenetic location: 16q24.2.
Variant type: single nucleotide variant.
Coding change: c.288-1G>A on transcript NM_000101.4 (MANE Select); the canonical splice acceptor site of the intron before coding-DNA position 288, G replaced by A.
Molecular consequence: splice acceptor variant.
Genome position (GRCh38, 1-based): chr16:88,646,198, C>T on the plus strand (G>A on the coding strand, the complement: CYBA is on the minus strand). VCF-style: chr16-88646198-C-T. GRCh37 (hg19) VCF-style: chr16-88712606-C-T.
Identifiers: ClinVar variation 2887065 (VCV002887065.2), dbSNP rs111571762, ClinGen allele CA397063431.

ClinVar aggregate classification (germline): Likely pathogenic (1 of 4 stars; one submission).

Conditions:
Granulomatous disease, chronic, autosomal recessive, cytochrome b-negative. Also called: GRANULOMATOUS DISEASE, CHRONIC, AUTOSOMAL RECESSIVE, 4; Chronic granulomatous disease, autosomal, due to deficiency of CYBA; CGD DUE TO DEFICIENCY OF THE ALPHA SUBUNIT OF CYTOCHROME b; CGD, AUTOSOMAL RECESSIVE CYTOCHROME b-NEGATIVE; CYBA DEFICIENCY. Identifiers: Orphanet 379, MedGen C1856255, MONDO:0009308, OMIM 233690.

gnomAD v4.1: 1 of 1,524,438 alleles (0.000066%); no homozygotes.

Submission:

Labcorp Genetics (formerly Invitae), Labcorp
Classification: Likely pathogenic for Granulomatous disease, chronic, autosomal recessive, cytochrome b-negative. Last evaluated: 2023-08-11. Review status: criteria provided, single submitter. Criteria: Invitae Variant Classification Sherloc (09022015). Collection method: clinical testing. Allele origin: germline.
Comment: In summary, the currently available evidence indicates that the variant is pathogenic, but additional data are needed to prove that conclusively. Therefore, this variant has been classified as Likely Pathogenic. Algorithms developed to predict the effect of sequence changes on RNA splicing suggest that this variant may disrupt the consensus splice site. Disruption of this splice site has been observed in individual(s) with chronic granulomatous disease (PMID: 33717137). This variant is not present in population databases (gnomAD no frequency). This sequence change affects an acceptor splice site in intron 4 of the CYBA gene. It is expected to disrupt RNA splicing. Variants that disrupt the donor or acceptor splice site typically lead to a loss of protein function (PMID: 16199547), and loss-of-function variants in CYBA are known to be pathogenic (PMID: 10910929, 20167518, 22876374).

Literature cited by the submitters: PubMed 33717137; PubMed 16199547; PubMed 10910929; PubMed 20167518; PubMed 22876374.